The following is an entry in ClinVar:

NM_182925.5(FLT4):c.736dup (p.Glu246fs)

Gene: FLT4 (fms related receptor tyrosine kinase 4; minus strand). Cytogenetic location: 5q35.3.
Variant type: Duplication.
Coding change: c.736dup on transcript NM_182925.5 (MANE Select); coding-DNA position 736, one base duplicated (G; older notation c.736dupG).
Protein change: p.Glu246fs; shifts the reading frame from glutamic acid 246.
Molecular consequence: frameshift variant.
Genome position (GRCh38, 1-based): chr5:180,629,776, C duplicated on the plus strand (G on the coding strand, the reverse complement: FLT4 is on the minus strand); the first of 4 consecutive C bases (chr5:180,629,776-180,629,779); duplicating any one gives the same sequence. VCF-style (leftmost placement, unchanged base first): chr5-180629775-T-TC. GRCh37 (hg19) VCF-style: chr5-180056775-T-TC.
Other names: c.736dup, p.Glu246fs (NM_001354989.2, NM_002020.5); short protein forms E246fs.
Identifiers: ClinVar variation 4888339 (VCV004888339.1).

ClinVar aggregate classification (germline): Pathogenic (1 of 4 stars; one submission).

Conditions:
Congenital heart defects, multiple types, 7. Identifiers: MedGen C5394062, MONDO:0032913, OMIM 618780.

Submission:

New York Genome Center
Classification: Pathogenic for Congenital heart defects, multiple types, 7. Last evaluated: 2023-08-24. Review status: criteria provided, single submitter. Criteria: NYGC Assertion Criteria 2020. Collection method: clinical testing. Allele origin: de novo. Affected: yes. Observed: 1 variant allele, 1 heterozygote.
Comment: The c.736dup variant in FLT4 has not previously been reported in the literature or public variant repositories (ClinVar and LOVD), and is absent from population databases (gnomAD v2.1.1 and v3.1.2, TOPMed Freeze 8, All of Us), suggesting it is not a common benign variant in the populations represented in those databases.The c.736dup variant in FLT4 is located in exon 6 of this 30-exon gene, predicted to incorporate a premature termination codon (p.(Glu246GlyfsTer12)), and is expected to result in loss-of-function via nonsense mediated decay. Loss-of-function is an established mechanism of disease for FLT4 [PMID: 30582441]. Based on available evidence this de novo c.736dup, p.(Glu246GlyfsTer12) variant identified in FLT4 is classified as Pathogenic.